The following is an entry in ClinVar:

NM_000548.5(TSC2):c.1912G>C (p.Val638Leu)

Gene: TSC2 (TSC complex subunit 2; plus strand). Cytogenetic location: 16p13.3.
Variant type: single nucleotide variant.
Coding change: c.1912G>C on transcript NM_000548.5 (MANE Select); coding-DNA position 1912, G replaced by C.
Protein change: p.Val638Leu; replaces valine 638 with leucine.
Molecular consequence: missense variant.
Genome position (GRCh38, 1-based): chr16:2,071,582, G>C. VCF-style: chr16-2071582-G-C. GRCh37 (hg19) VCF-style: chr16-2121583-G-C.
Other names: c.1912G>C, p.Val638Leu (NM_001077183.3, NM_001114382.3, NM_001363528.2 and 3 more transcripts); c.1801G>C, p.Val601Leu (NM_001318827.2); c.1765G>C, p.Val589Leu (NM_001318829.2); c.1312G>C, p.Val438Leu (NM_001318831.2); c.1945G>C, p.Val649Leu (NM_001318832.2); short protein forms V638L, V438L, V649L, V589L, V601L.
Identifiers: ClinVar variation 571151 (VCV000571151.13), dbSNP rs587778730, ClinGen allele CA394273214.
Genomic context (GRCh38, chr16:2,071,582, plus strand): 5'-CTGTTGCTGCTGCGGGCCGACTCACTGCACCGCCTGGGCCTGCCCAACAAGGATGGAGTC[G>C]TGCGGTTCAGCCCCTACTGCGTCTGCGACTACATGTACGCGGGACCTCGCCCACGGCCCA-3'
Protein context (NP_000539.2, residues 628-648): RLGLPNKDGV[Val638Leu]RFSPYCVCDY

ClinVar aggregate classification (germline): Conflicting classifications of pathogenicity. Review status: criteria provided, conflicting classifications (1 of 4 stars). 3 submissions from 3 submitters: Uncertain significance (2); Benign (1). Last evaluated 2025-11-15.

Conditions:
Hereditary cancer-predisposing syndrome. Also called: Hereditary neoplastic syndrome; Neoplastic Syndromes, Hereditary; Hereditary Cancer Syndrome; Tumor predisposition. Identifiers: Orphanet 140162, MedGen C0027672, MeSH D009386, MONDO:0015356.
Isolated focal cortical dysplasia type II (FCORD2). Also called: Focal cortical dysplasia type II; CORTICAL DYSPLASIA OF TAYLOR. Identifiers: Orphanet 268994, MedGen C1846385, MONDO:0011818, OMIM 607341, HP:0032051.
Tuberous sclerosis 2 (TSC2). Identifiers: Orphanet 805, MedGen C1860707, MONDO:0013199, OMIM 613254.

Allele frequency attached by ClinVar (database versions not stated): TOPMed 0.00001.
gnomAD v4.1: 1 of 1,613,492 alleles (0.000062%); highest among the groups gnomAD compares: Admixed American, 0.0017%; no homozygotes.

Submissions (3):

Ambry Genetics
Classification: Uncertain significance for Hereditary cancer-predisposing syndrome. Last evaluated: 2025-11-15. Review status: criteria provided, single submitter. Criteria: Ambry Variant Classification Scheme 2023. Collection method: clinical testing. Allele origin: germline.
Comment: The p.V638L variant (also known as c.1912G>C), located in coding exon 17 of the TSC2 gene, results from a G to C substitution at nucleotide position 1912. The valine at codon 638 is replaced by leucine, an amino acid with highly similar properties. This amino acid position is not well conserved in available vertebrate species. In addition, the in silico prediction for this alteration is inconclusive. Since supporting evidence is limited at this time, the clinical significance of this alteration remains unclear.

Labcorp Genetics (formerly Invitae), Labcorp
Classification: Benign for Tuberous sclerosis 2. Last evaluated: 2025-10-07. Review status: criteria provided, single submitter. Criteria: Invitae Variant Classification Sherloc (09022015). Collection method: clinical testing. Allele origin: germline.

Baylor Genetics
Classification: Uncertain significance for Isolated focal cortical dysplasia type II. Last evaluated: 2024-01-08. Review status: criteria provided, single submitter. Criteria: ACMG Guidelines, 2015. Collection method: clinical testing. Allele origin: unknown.